The following is an entry in ClinVar:

NM_001126108.2(SLC12A3):c.283-435_283-384dup

Gene: SLC12A3 (solute carrier family 12 member 3; plus strand). Cytogenetic location: 16q13.
Variant type: Duplication.
Coding change: c.283-435_283-384dup on transcript NM_001126108.2 (MANE Select); 435 bases into the intron before coding-DNA position 283 through 384 bases into the intron before coding-DNA position 283, 52 bases duplicated.
Molecular consequence: intron variant.
Genome position (GRCh38, 1-based): chr16:56,866,635-56,866,686, 52 bases duplicated. GRCh37 (hg19): chr16:56,900,547-56,900,598.
Other names: c.283-435_283-384dup (NM_000339.3); c.283-438_283-387dup (NM_001126107.2).
Identifiers: ClinVar variation 1684174 (VCV001684174.1), dbSNP rs2144681043, ClinGen allele CA2573152445.

ClinVar aggregate classification (germline): Likely pathogenic (1 of 4 stars; one submission).

Conditions:
Familial hypokalemia-hypomagnesemia (GTLMNS). Also called: gitelman syndrome; HYPOMAGNESEMIA-HYPOKALEMIA, PRIMARY RENOTUBULAR, WITH HYPOCALCIURIA; POTASSIUM AND MAGNESIUM DEPLETION. Identifiers: Orphanet 358, MedGen C0268450, MONDO:0009904, OMIM 263800.

Submission:

European Hospital Georges Pompidou Genetics Department, Assistance Publique - Hôpitaux de Paris AP-HP
Classification: Likely pathogenic for Familial hypokalemia-hypomagnesemia. Last evaluated: 2022-04-27. Review status: criteria provided, single submitter. Criteria: ACMG Guidelines, 2015. Collection method: clinical testing, in vitro. Allele origin: germline. Affected: yes.
Comment: ACMG criteria used:PS3, PM2, PM3